The following is an entry in ClinVar:

ClinVar aggregate classification (germline): Uncertain significance. Review status: criteria provided, multiple submitters, no conflicts (2 of 4 stars). 2 submissions from 2 submitters: Uncertain significance (2). Last evaluated 2024-05-22.

Conditions:
Long QT syndrome (LQTS). Identifiers: MedGen C0023976, MeSH D008133, MONDO:0002442. Disease mechanism: loss of function. Inheritance: Various modes of inheritance.
Cardiovascular phenotype. Identifiers: MedGen CN230736.

Allele frequency attached by ClinVar (database versions not stated): TOPMed below 0.00001; gnomAD 0.00001; ExAC 0.00002.
gnomAD v4.1: 5 of 1,613,998 alleles (0.00031%); highest among the groups gnomAD compares: Admixed American, 0.0067%; no homozygotes.

Submissions (2):

Ambry Genetics
Classification: Uncertain significance for Cardiovascular phenotype. Last evaluated: 2024-05-22. Review status: criteria provided, single submitter. Criteria: Ambry Variant Classification Scheme 2023. Collection method: clinical testing. Allele origin: germline.
Comment: The p.V3771I variant (also known as c.11311G>A), located in coding exon 46 of the AKAP9 gene, results from a G to A substitution at nucleotide position 11311. The valine at codon 3771 is replaced by isoleucine, an amino acid with highly similar properties. This amino acid position is highly conserved in available vertebrate species. In addition, this alteration is predicted to be tolerated by in silico analysis. Since supporting evidence is limited at this time, the clinical significance of this alteration remains unclear.

Labcorp Genetics (formerly Invitae), Labcorp
Classification: Uncertain significance for Long QT syndrome. Last evaluated: 2023-09-15. Review status: criteria provided, single submitter. Criteria: Invitae Variant Classification Sherloc (09022015). Collection method: clinical testing. Allele origin: germline.
Comment: This variant is present in population databases (rs758115766, gnomAD 0.009%). This variant has not been reported in the literature in individuals affected with AKAP9-related conditions. ClinVar contains an entry for this variant (Variation ID: 1728331). An algorithm developed to predict the effect of missense changes on protein structure and function (PolyPhen-2) suggests that this variant is likely to be disruptive. In summary, the available evidence is currently insufficient to determine the role of this variant in disease. Therefore, it has been classified as a Variant of Uncertain Significance. This sequence change replaces valine, which is neutral and non-polar, with isoleucine, which is neutral and non-polar, at codon 3771 of the AKAP9 protein (p.Val3771Ile).

NM_005751.5(AKAP9):c.11311G>A (p.Val3771Ile)

Gene: AKAP9 (A-kinase anchoring protein 9; plus strand). Cytogenetic location: 7q21.2.
Variant type: single nucleotide variant.
Coding change: c.11311G>A on transcript NM_005751.5 (MANE Select); coding-DNA position 11311, G replaced by A.
Protein change: p.Val3771Ile; replaces valine 3771 with isoleucine.
Molecular consequence: missense variant.
Genome position (GRCh38, 1-based): chr7:92,102,807, G>A. VCF-style: chr7-92102807-G-A. GRCh37 (hg19) VCF-style: chr7-91732121-G-A.
Other names: c.5956G>A, p.Val1986Ile (NM_001379277.1); c.11287G>A, p.Val3763Ile (NM_147185.3); short protein forms V3763I, V1986I, V3771I.
Identifiers: ClinVar variation 1728331 (VCV001728331.6), dbSNP rs758115766, ClinGen allele CA4338146.